The following is an entry in ClinVar:

ClinVar aggregate classification (germline): Pathogenic. Review status: criteria provided, multiple submitters, no conflicts (2 of 4 stars). 4 submissions from 4 submitters: Pathogenic (2). 2 of the submissions do not count toward it. Last evaluated 2022-12-02.

Conditions:
Familial long QT syndrome (RWS). Also called: Romano-Ward syndrome; VENTRICULAR FIBRILLATION WITH PROLONGED QT INTERVAL; Congenital long QT syndrome. Identifiers: Orphanet 768, MedGen C1141890, MONDO:0019171.
Andersen Tawil syndrome (LQT7). Also called: Potassium-sensitive periodic paralysis, ventricular ectopy, and dysmorphic features; PERIODIC PARALYSIS, POTASSIUM-SENSITIVE CARDIODYSRHYTHMIC TYPE; LONG QT SYNDROME 7; Andersen Syndrome; ANDERSEN CARDIODYSRHYTHMIC PERIODIC PARALYSIS. Identifiers: Orphanet 37553, MedGen C1563715, MONDO:0008222, OMIM 170390.
Short QT syndrome type 3. Identifiers: Orphanet 51083, MedGen C1865018, MONDO:0012314, OMIM 609622.

Submissions (4):

Labcorp Genetics (formerly Invitae), Labcorp
Classification: Pathogenic for Short QT syndrome type 3; Andersen Tawil syndrome. Last evaluated: 2022-12-02. Review status: criteria provided, single submitter. Criteria: Invitae Variant Classification Sherloc (09022015). Collection method: clinical testing. Allele origin: germline.
Comment: For these reasons, this variant has been classified as Pathogenic. This variant is not present in population databases (gnomAD no frequency). This missense change has been observed in individuals with Andersen-Tawil syndrome (PMID: 12796536, 15911703, 31567646). ClinVar contains an entry for this variant (Variation ID: 67588). Advanced modeling of protein sequence and biophysical properties (such as structural, functional, and spatial information, amino acid conservation, physicochemical variation, residue mobility, and thermodynamic stability) performed at Invitae indicates that this missense variant is expected to disrupt KCNJ2 protein function. This variant disrupts the p.Gly300 amino acid residue in KCNJ2. Other variant(s) that disrupt this residue have been determined to be pathogenic (PMID: 12163457, 16419128, 17221872, 31737537). This suggests that this residue is clinically significant, and that variants that disrupt this residue are likely to be disease-causing. This sequence change replaces glycine, which is neutral and non-polar, with aspartic acid, which is acidic and polar, at codon 300 of the KCNJ2 protein (p.Gly300Asp).

Institute of Medical Genetics and Applied Genomics, University Hospital Tübingen
Classification: Pathogenic. Last evaluated: 2020-10-23. Review status: criteria provided, single submitter. Criteria: ACMG Guidelines, 2015. Collection method: clinical testing. Allele origin: germline. Inheritance: Autosomal dominant inheritance. Affected: yes.

Cardiovascular Biomedical Research Unit, Royal Brompton & Harefield NHS Foundation Trust
No classification provided. Condition: Familial long QT syndrome. Review status: no classification provided. Collection method: literature only. Allele origin: germline. Not counted in ClinVar's aggregate classification.
Comment: This variant has been reported in the following publications (PMID:12796536;PMID:15831539;PMID:16217063).

GeneReviews
No classification provided. Condition: Andersen Tawil syndrome. Review status: no classification provided. Collection method: literature only. Allele origin: germline. Not counted in ClinVar's aggregate classification.

Literature cited by the submitters: PubMed 12796536 (cited by Labcorp Genetics (formerly Invitae), Labcorp and Cardiovascular Biomedical Research Unit, Royal Brompton & Harefield NHS Foundation Trust); PubMed 15911703 (cited by Labcorp Genetics (formerly Invitae), Labcorp); PubMed 31567646 (cited by Labcorp Genetics (formerly Invitae), Labcorp); PubMed 12163457 (cited by Labcorp Genetics (formerly Invitae), Labcorp); PubMed 16419128 (cited by Labcorp Genetics (formerly Invitae), Labcorp); PubMed 17221872 (cited by Labcorp Genetics (formerly Invitae), Labcorp); PubMed 31737537 (cited by Labcorp Genetics (formerly Invitae), Labcorp); PubMed 15831539 (cited by Cardiovascular Biomedical Research Unit, Royal Brompton & Harefield NHS Foundation Trust); PubMed 16217063 (cited by Cardiovascular Biomedical Research Unit, Royal Brompton & Harefield NHS Foundation Trust and GeneReviews); PubMed 22581653 (cited by Cardiovascular Biomedical Research Unit, Royal Brompton & Harefield NHS Foundation Trust).

NM_000891.3(KCNJ2):c.899G>A (p.Gly300Asp)

Gene: KCNJ2 (potassium inwardly rectifying channel subfamily J member 2; plus strand). Cytogenetic location: 17q24.3.
Variant type: single nucleotide variant.
Coding change: c.899G>A on transcript NM_000891.3 (MANE Select); coding-DNA position 899, G replaced by A.
Protein change: p.Gly300Asp; replaces glycine 300 with aspartic acid.
Molecular consequence: missense variant.
Genome position (GRCh38, 1-based): chr17:70,175,938, G>A. VCF-style: chr17-70175938-G-A. GRCh37 (hg19) VCF-style: chr17-68172079-G-A.
Other names: c.899G>A (LRG_328t1).
Identifiers: ClinVar variation 67588 (VCV000067588.9), dbSNP rs104894579, ClinGen allele CA329702.